The following is an entry in ClinVar:

ClinVar aggregate classification (germline): Benign. Review status: criteria provided, multiple submitters, no conflicts (2 of 4 stars). 3 submissions from 3 submitters: Benign (3). Last evaluated 2024-07-31.

Allele frequency attached by ClinVar (database versions not stated): 1000 Genomes Project 30x 0.26889; 1000 Genomes Project 0.27676; TOPMed 0.30136; gnomAD 0.34139; gnomAD exomes 0.39791.
gnomAD v4.1: 402,942 of 1,041,928 alleles (39%); highest among the groups gnomAD compares: Non-Finnish European, 42%; 83,234 homozygotes.

Submissions (3):

Unidad de Genómica Garrahan, Hospital de Pediatría Garrahan
Classification: Benign. Last evaluated: 2024-07-31. Review status: criteria provided, single submitter. Criteria: ACMG Guidelines, 2015. Collection method: clinical testing. Allele origin: germline. Affected: no. Observed: 37 variant alleles.
Comment: This variant is classified as Benign based on local population frequency. This variant was detected in 40% of patients studied in a panel designed for Epileptic and Developmental Encephalopathy, Progressive Myoclonus Epilepsy and Abnormal Movements and Neurodegeneration with brain iron accumulation. Number of patients: 37. Only high quality variants are reported.

GeneDx
Classification: Benign. Last evaluated: 2018-06-14. Review status: criteria provided, single submitter. Criteria: GeneDx Variant Classification (06012015). Collection method: clinical testing. Allele origin: germline. Affected: yes.
Comment: This variant is considered likely benign or benign based on one or more of the following criteria: it is a conservative change, it occurs at a poorly conserved position in the protein, it is predicted to be benign by multiple in silico algorithms, and/or has population frequency not consistent with disease.

Breakthrough Genomics
Classification: Benign. Review status: criteria provided, single submitter. Criteria: ACMG Guidelines, 2015. Collection method: not provided. Allele origin: germline. Inheritance: Autosomal recessive inheritance. Affected: yes.

NM_004369.4(COL6A3):c.6472-108C>T

Gene: COL6A3 (collagen type VI alpha 3 chain; minus strand). Cytogenetic location: 2q37.3.
Variant type: single nucleotide variant.
Coding change: c.6472-108C>T on transcript NM_004369.4 (MANE Select); 108 bases into the intron before coding-DNA position 6472, C replaced by T.
Molecular consequence: intron variant.
Genome position (GRCh38, 1-based): chr2:237,357,990, G>A on the plus strand (C>T on the coding strand, the complement: COL6A3 is on the minus strand). VCF-style: chr2-237357990-G-A. GRCh37 (hg19) VCF-style: chr2-238266633-G-A.
Other names: c.4651-108C>T (NM_057166.5); c.5854-108C>T (NM_057167.4).
Identifiers: ClinVar variation 679230 (VCV000679230.4), dbSNP rs4663730, ClinGen allele CA11142088.
Genomic context (GRCh38, chr2:237,357,990, plus strand): 5'-CAGCTGCCACTGGACTGGATGGTCAGGGAAATATTAGCAAGGACCTGCATGCAAGGCTTC[G>A]AGGGACAAGCCCTTCGGCCACAACCCATCCAGGTAACATCCATGCAGGTCTTACGAAACC-3'